The following is an entry in ClinVar:

ClinVar aggregate classification (germline): Pathogenic (1 of 4 stars; one submission).

Conditions:
Hereditary cancer-predisposing syndrome. Also called: Neoplastic Syndromes, Hereditary; Tumor predisposition; Hereditary Cancer Syndrome; Hereditary neoplastic syndrome. Identifiers: Orphanet 140162, MedGen C0027672, MeSH D009386, MONDO:0015356.

Submission:

Ambry Genetics
Classification: Pathogenic for Hereditary cancer-predisposing syndrome. Last evaluated: 2017-10-17. Review status: criteria provided, single submitter. Criteria: Ambry Variant Classification Scheme 2023. Collection method: clinical testing. Allele origin: germline.
Comment: The c.3710_3714delTTGAC pathogenic mutation, located in coding exon 24 of the RAD50 gene, results from a deletion of 5 nucleotides at nucleotide positions 3710 to 3714, causing a translational frameshift with a predicted alternate stop codon (p.L1237Pfs*5). This frameshift occurs at the 3' terminus of RAD50 and is not expected to trigger nonsense-mediated mRNA decay, however it is expected to produce an abnormal protein lacking a portion of the C-terminal that is an important ATPase domain (Williams GJ et al. DNA Repair (Amst.), 2010 Dec;9:1299-306). This alteration is expected to result in loss of function by premature protein truncation. As such, this alteration is interpreted as a disease-causing mutation.

Literature cited by the submitters: PubMed 21035407.

NM_005732.4(RAD50):c.3710_3714del (p.Leu1237fs)

Genes: RAD50 (RAD50 double strand break repair protein; plus strand), TH2-LCR (Th2 cytokine locus control region; plus strand), TH2LCRR (T helper type 2 locus control region associated RNA; minus strand). Cytogenetic location: 5q31.1.
Variant type: Deletion.
Coding change: c.3710_3714del on transcript NM_005732.4 (MANE Select); coding-DNA positions 3710 to 3714, 5 bases deleted (TTGAC; older notation c.3710_3714delTTGAC).
Protein change: p.Leu1237fs; shifts the reading frame from leucine 1237.
Molecular consequence: frameshift variant.
Genome position (GRCh38, 1-based): chr5:132,640,763-132,640,767, TTGAC deleted; deleting any 5 consecutive bases within chr5:132,640,762-132,640,767 gives the same sequence; the c. name uses the placement nearest the transcript's 3' end. VCF-style (leftmost placement, unchanged base first): chr5-132640761-TCTTGA-T. GRCh37 (hg19) VCF-style: chr5-131976453-TCTTGA-T.
Other names: short protein forms L1237fs.
Identifiers: ClinVar variation 1734195 (VCV001734195.2), dbSNP rs2479435286, ClinGen allele CA2580072773.